The following is an entry in ClinVar:

ClinVar aggregate classification (germline): Likely benign. Review status: criteria provided, multiple submitters, no conflicts (2 of 4 stars). 3 submissions from 3 submitters: Likely benign (3). Last evaluated 2026-01-05.

Conditions:
CDH23-related disorder. Also called: CDH23-related disorders; CDH23-related condition.

Allele frequency attached by ClinVar (database versions not stated): ExAC 0.00004; ESP Exome Variant Server 0.00008; gnomAD exomes 0.00008; gnomAD 0.00011; 1000 Genomes Project 0.00020; 1000 Genomes Project 30x 0.00031.
gnomAD v4.1: 130 of 1,613,988 alleles (0.0081%); highest among the groups gnomAD compares: African/African-American, 0.013%; no homozygotes.

Submissions (3):

Labcorp Genetics (formerly Invitae), Labcorp
Classification: Likely benign. Last evaluated: 2026-01-05. Review status: criteria provided, single submitter. Criteria: Invitae Variant Classification Sherloc (09022015). Collection method: clinical testing. Allele origin: germline.

Blueprint Genetics
Classification: Likely benign. Last evaluated: 2024-10-23. Review status: criteria provided, single submitter. Criteria: ACMG Guidelines, 2015. Collection method: clinical testing. Allele origin: germline.

PreventionGenetics, part of Exact Sciences
Classification: Likely benign for CDH23-related condition. Last evaluated: 2024-10-19. Review status: criteria provided, single submitter. Criteria: ACMG Guidelines, 2015. Collection method: clinical testing. Allele origin: germline.
Comment: This variant is classified as likely benign based on ACMG/AMP sequence variant interpretation guidelines (Richards et al. 2015 PMID: 25741868, with internal and published modifications).

NM_022124.6(CDH23):c.129C>T (p.Ser43=)

Gene: CDH23 (cadherin related 23; plus strand). Cytogenetic location: 10q22.1.
Variant type: single nucleotide variant.
Coding change: c.129C>T on transcript NM_022124.6 (MANE Select); coding-DNA position 129, C replaced by T.
Protein change: p.Ser43=; no amino-acid change (serine 43 retained).
Molecular consequence: synonymous variant.
Genome position (GRCh38, 1-based): chr10:71,446,379, C>T. VCF-style: chr10-71446379-C-T. GRCh37 (hg19) VCF-style: chr10-73206136-C-T.
Other names: c.129C>T (NM_022124.5); c.129C>T, p.Ser43= (NM_001171930.2, NM_001171931.2, NM_001171932.2 and 1 more transcripts).
Identifiers: ClinVar variation 2201908 (VCV002201908.6), dbSNP rs201925753, ClinGen allele CA5543295.